The following is an entry in ClinVar:

NM_138615.3(DHX30):c.560G>A (p.Arg187Gln)

Gene: DHX30 (DExH-box helicase 30; plus strand). Cytogenetic location: 3p21.31.
Variant type: single nucleotide variant.
Coding change: c.560G>A on transcript NM_138615.3 (MANE Select); coding-DNA position 560, G replaced by A.
Protein change: p.Arg187Gln; replaces arginine 187 with glutamine.
Molecular consequence: missense variant.
Genome position (GRCh38, 1-based): chr3:47,841,070, G>A. VCF-style: chr3-47841070-G-A. GRCh37 (hg19) VCF-style: chr3-47882560-G-A.
Other names: c.476G>A, p.Arg159Gln (NM_001330990.2); c.443G>A, p.Arg148Gln (NM_014966.4); short protein forms R159Q, R187Q, R148Q.
Identifiers: ClinVar variation 2348785 (VCV002348785.3), dbSNP rs779203311, ClinGen allele CA2369732.
Genomic context (GRCh38, chr3:47,841,070, plus strand): 5'-AGCTGAATCCAGAGAGTATTCGACCAGGGGGACCTGGGGGCCTATCCCGCTCTTTAGGCC[G>A]GGAAGAAGAGGAGGACGAGGAGGAAGAGCTAGAAGAAGGGACCATAGATGTTACCGACTT-3'
Protein context (NP_619520.1, residues 177-197): GPGGLSRSLG[Arg187Gln]EEEEDEEEEL

ClinVar aggregate classification (germline): Likely benign. Review status: criteria provided, multiple submitters, no conflicts (2 of 4 stars). 2 submissions from 2 submitters: Likely benign (2). Last evaluated 2026-03-15.

Conditions:
DHX30-related disorder. Also called: DHX30-related condition.
Inborn genetic diseases. Identifiers: MedGen C0950123, MeSH D030342.

Allele frequency attached by ClinVar (database versions not stated): gnomAD exomes 0.00003; ExAC 0.00012; TOPMed 0.00015.

Submissions (2):

PreventionGenetics, part of Exact Sciences
Classification: Likely benign for DHX30-related condition. Last evaluated: 2026-03-15. Review status: criteria provided, single submitter. Criteria: ACMG Guidelines, 2015. Collection method: clinical testing. Allele origin: germline.
Comment: This variant is classified as likely benign based on ACMG/AMP sequence variant interpretation guidelines (Richards et al. 2015 PMID: 25741868, with internal and published modifications).

Ambry Genetics
Classification: Likely benign for Inborn genetic diseases. Last evaluated: 2022-08-04. Review status: criteria provided, single submitter. Criteria: Ambry Variant Classification Scheme 2023. Collection method: clinical testing. Allele origin: germline.